The following is an entry in ClinVar:

NM_005199.5(CHRNG):c.753_754del (p.Val253fs)

Gene: CHRNG (cholinergic receptor nicotinic gamma subunit; plus strand). Cytogenetic location: 2q37.1.
Variant type: Deletion.
Coding change: c.753_754del on transcript NM_005199.5 (MANE Select); coding-DNA positions 753 to 754, 2 bases deleted (CT; older notation c.753_754delCT).
Protein change: p.Val253fs; shifts the reading frame from valine 253.
Molecular consequence: frameshift variant.
Genome position (GRCh38, 1-based): chr2:232,543,030-232,543,031, CT deleted. VCF-style (leftmost placement, unchanged base first): chr2-232543029-CCT-C. GRCh37 (hg19) VCF-style: chr2-233407739-CCT-C.
Other names: c.753_754delCT (NM_005199.5); c.753_754del (NM_005199.4); short protein forms V253fs.
Identifiers: ClinVar variation 18342 (VCV000018342.57), dbSNP rs767503038, ClinGen allele CA213183.

ClinVar aggregate classification (germline): Pathogenic. Review status: criteria provided, multiple submitters, no conflicts (2 of 4 stars). 20 submissions from 19 submitters: Pathogenic (16). 4 of the submissions do not count toward it. Last evaluated 2025-12-29.

Conditions:
CHRNG-related disorder. Also called: CHRNG-related condition; CHRNG-related disorders.
Inborn genetic diseases. Identifiers: MedGen C0950123, MeSH D030342.
Autosomal recessive multiple pterygium syndrome. Also called: MULTIPLE PTERYGIUM SYNDROME, ESCOBAR VARIANT; PTERYGIUM COLLI SYNDROME; PTERYGIUM SYNDROME; PTERYGIUM UNIVERSALE. Identifiers: Orphanet 2990, MedGen C0265261, MONDO:0009926, OMIM 265000.
Lethal multiple pterygium syndrome (LMPS). Identifiers: Orphanet 33108, MedGen C1854678, MONDO:0009668, OMIM 253290.
Abnormality of prenatal development or birth. Identifiers: MedGen C4025797, HP:0001197.

Allele frequency attached by ClinVar (database versions not stated): gnomAD 0.00026; TOPMed 0.00031; ESP Exome Variant Server 0.00176; gnomAD exomes 0.00021 and 0.00016; 1000 Genomes Project 30x 0.00062; ExAC 0.00018.

Submissions 1 to 15 of 20:

3billion
Classification: Pathogenic for CHRNG-related disorder. Last evaluated: 2025-12-29. Review status: criteria provided, single submitter. Criteria: ACMG Guidelines, 2015. Collection method: clinical testing. Allele origin: germline. Affected: yes.
Comment: The variant is observed at an extremely low frequency in the gnomAD v4.1.0 dataset (total allele frequency: 0.022%). Predicted Consequence/Location: Frameshift: predicted to result in a loss or disruption of normal protein function through nonsense-mediated decay (NMD) or protein truncation. Multiple pathogenic variants are reported downstream of the variant. The variant has been reported at least twice as pathogenic with clinical assertions and evidence for the classification (ClinVar ID: VCV000018342 /PMID: 16826531 /3billion dataset). Therefore, this variant is classified as Pathogenic according to the recommendation of ACMG/AMP guideline.

Labcorp Genetics (formerly Invitae), Labcorp
Classification: Pathogenic. Last evaluated: 2025-12-17. Review status: criteria provided, single submitter. Criteria: Invitae Variant Classification Sherloc (09022015). Collection method: clinical testing. Allele origin: germline.
Comment: This sequence change creates a premature translational stop signal (p.Val253Alafs*44) in the CHRNG gene. It is expected to result in an absent or disrupted protein product. Loss-of-function variants in CHRNG are known to be pathogenic (PMID: 16826520). This variant is present in population databases (rs767503038, gnomAD 0.03%). This premature translational stop signal has been observed in individuals with lethal and Escobar variant multiple pterygium syndrome (PMID: 16826531, 22167768, 24038971, 25608830, 27245440). ClinVar contains an entry for this variant (Variation ID: 18342). For these reasons, this variant has been classified as Pathogenic.

First Genomix Gene Laboratory, Genetic Diagnostics Department
Classification: Pathogenic for Autosomal recessive multiple pterygium syndrome; Lethal multiple pterygium syndrome. Last evaluated: 2025-05-02. Review status: criteria provided, single submitter. Criteria: ACMG Guidelines, 2015. Collection method: clinical testing. Allele origin: germline. Inheritance: Autosomal recessive inheritance. Affected: no. Observed: 1 variant allele.

PreventionGenetics, part of Exact Sciences
Classification: Pathogenic for CHRNG-related condition. Last evaluated: 2024-11-20. Review status: criteria provided, single submitter. Criteria: ACMG Guidelines, 2015. Collection method: clinical testing. Allele origin: germline.
Comment: The CHRNG c.753_754delCT variant is predicted to result in a frameshift and premature protein termination (p.Val253Alafs*44). This variant has been reported in the homozygous or compound heterozygous state in multiple individuals with escobar syndrome or multiple pterygium syndrome (Morgan et al. 2006. PubMedID: 16826531; Robinson et al. 2013. PubMedID: 24038971; Natera-de Benito et al. 2017. PubMed ID: 29054425; Dahan-Oliel. 2021. PubMed ID: 34440395). This variant is reported in 0.024% of alleles in individuals of African descent in gnomAD. Frameshift variants in CHRNG are expected to be pathogenic. This variant is interpreted as pathogenic.

Blueprint Genetics
Classification: Pathogenic for CHRNG-related disorders. Last evaluated: 2024-06-28. Review status: criteria provided, single submitter. Criteria: ACMG Guidelines, 2015. Collection method: clinical testing. Allele origin: germline. Affected: yes. Observed: 5 variant alleles.

Fulgent Genetics
Classification: Pathogenic for Lethal multiple pterygium syndrome; Autosomal recessive multiple pterygium syndrome. Last evaluated: 2024-04-22. Review status: criteria provided, single submitter. Criteria: ACMG Guidelines, 2015. Collection method: clinical testing. Allele origin: germline.

Revvity Omics, Revvity
Classification: Pathogenic. Last evaluated: 2023-07-18. Review status: criteria provided, single submitter. Criteria: ACMG Guidelines, 2015. Collection method: clinical testing. Allele origin: germline.

Women's Health and Genetics/Laboratory Corporation of America, LabCorp
Classification: Pathogenic for Lethal multiple pterygium syndrome. Last evaluated: 2023-02-21. Review status: criteria provided, single submitter. Criteria: LabCorp Variant Classification Summary - May 2015. Collection method: clinical testing. Allele origin: germline.
Comment: Variant summary: CHRNG c.753_754delCT (p.Val253AlafsX44) results in a premature termination codon, predicted to cause a truncation of the encoded protein or absence of the protein due to nonsense mediated decay, which are commonly known mechanisms for disease. The variant allele was found at a frequency of 0.00016 in 251490 control chromosomes. c.753_754delCT has been reported in the literature in multiple individuals affected with lethal and Escobar variant multiple pterygium syndrome. These data indicate that the variant is very likely to be associated with disease. 11 clinical diagnostic laboratories have submitted clinical-significance assessments for this variant to ClinVar after 2014 without evidence for independent evaluation. All laboratories classified the variant as pathogenic. Based on the evidence outlined above, the variant was classified as pathogenic.

Institute of Medical Genetics and Applied Genomics, University Hospital Tübingen
Classification: Pathogenic. Last evaluated: 2021-09-15. Review status: criteria provided, single submitter. Criteria: ACMG Guidelines, 2015. Collection method: clinical testing. Allele origin: germline. Inheritance: Autosomal recessive inheritance. Affected: yes.

Kariminejad - Najmabadi Pathology & Genetics Center
Classification: Pathogenic for Abnormality of prenatal development or birth. Last evaluated: 2021-07-10. Review status: criteria provided, single submitter. Criteria: ACMG Guidelines, 2015. Collection method: clinical testing. Allele origin: germline. Affected: yes.

GeneDx
Classification: Pathogenic. Last evaluated: 2021-04-16. Review status: criteria provided, single submitter. Criteria: GeneDx Variant Classification Process June 2021. Collection method: clinical testing. Allele origin: germline. Affected: yes.
Comment: Frameshift variant predicted to result in protein truncation or nonsense mediated decay in a gene for which loss-of-function is a known mechanism of disease; This variant is associated with the following publications: (PMID: 25957469, 25608830, 30868735, 24038971, 22167768, 34426522, 31589614, 33250842, 32587836, 16826531)

Centre for Mendelian Genomics, University Medical Centre Ljubljana
Classification: Pathogenic for Autosomal recessive multiple pterygium syndrome. Last evaluated: 2019-10-28. Review status: criteria provided, single submitter. Criteria: ACMG Guidelines, 2015. Collection method: clinical testing. Allele origin: unknown. Affected: yes.
Comment: This variant was classified as: Pathogenic. The following ACMG criteria were applied in classifying this variant: PVS1,PS1.

Illumina Laboratory Services, Illumina
Classification: Pathogenic for CHRNG-Related Disorders. Last evaluated: 2018-10-26. Review status: criteria provided, single submitter. Criteria: ICSL Variant Classification Criteria 09 May 2019. Collection method: clinical testing. Allele origin: germline.
Comment: The CHRNG c.753_754delCT (p.Val253AlafsTer44) variant results in a frameshift, and is predicted to result in premature termination of the protein. This variant has been reported in six studies and is found in a total of seven probands including four in a homozygous state and three in a compound heterozygous state (Morgan et al. 2006; Vogt et al. 2012; Robinson et al. 2013; Chong et al. 2015; Kariminejad et al. 2016; Bayram et al. 2016). The variant has been described in probands with both lethal multiple pterygium syndrome and non-lethal (Escobar) phenotypes. Control data are unavailable for this variant, but it is reported at a frequency of 0.00038 in the African population of the Exome Aggregation Consortium. Based on the evidence, the p.Val253AlafsTer44 variant is classified as pathogenic for CHRNG-related disorders. This variant was observed by ICSL as part of a predisposition screen in an ostensibly healthy population.

Ambry Genetics
Classification: Pathogenic for Inborn genetic diseases. Last evaluated: 2016-12-06. Review status: criteria provided, single submitter. Criteria: Ambry exome assertion method (8-5-2015). Collection method: clinical testing. Allele origin: germline. Affected: yes. Observed: 1 variant allele.

Juno Genomics, Hangzhou Juno Genomics, Inc
Classification: Pathogenic for Autosomal recessive multiple pterygium syndrome; Lethal multiple pterygium syndrome. Review status: criteria provided, single submitter. Criteria: ACMG Guidelines, 2015. Collection method: clinical testing. Allele origin: germline.
Comment: Absent from controls (or at extremely low frequency if recessive) in Genome Aggregation Database.;Null variant in a gene where loss of function (LOF) is a known mechanism of disease.;For recessive disorders, detected in trans with a pathogenic variant.;Co-segregation with disease in multiple affected family members.